The following is an entry in ClinVar:

NM_000232.5(SGCB):c.499G>A (p.Gly167Ser)

Gene: SGCB (sarcoglycan beta; minus strand). Cytogenetic location: 4q12.
Variant type: single nucleotide variant.
Coding change: c.499G>A on transcript NM_000232.5 (MANE Select); coding-DNA position 499, G replaced by A.
Protein change: p.Gly167Ser; replaces glycine 167 with serine.
Molecular consequence: missense variant.
Genome position (GRCh38, 1-based): chr4:52,028,852, C>T on the plus strand (G>A on the coding strand, the complement: SGCB is on the minus strand). VCF-style: chr4-52028852-C-T. GRCh37 (hg19) VCF-style: chr4-52895018-C-T.
Other names: short protein forms G167S.
Identifiers: ClinVar variation 558332 (VCV000558332.14), dbSNP rs779516489, ClinGen allele CA2918375.
Genomic context (GRCh38, chr4:52,028,852, plus strand): 5'-GAGTTTCATAGTCTGTGCTGAATAAGATATTTTGAGTCCTCGGGTCAAAAAACTGCATGC[C>T]GATGTCACTTGTAATAGAAGTTTTGTTGTTTTCTACACTGAGCTTTGTTGTCCCTTGCTG-3'
Protein context (NP_000223.1, residues 157-177): NNKTSITSDI[Gly167Ser]MQFFDPRTQN

ClinVar aggregate classification (germline): Pathogenic. Review status: criteria provided, multiple submitters, no conflicts (2 of 4 stars). 6 submissions from 6 submitters: Pathogenic (5). 1 of the submissions does not count toward it. Last evaluated 2025-11-28.

Conditions:
Autosomal recessive limb-girdle muscular dystrophy type 2E (LGMDR4). Also called: MUSCULAR DYSTROPHY, LIMB-GIRDLE, AUTOSOMAL RECESSIVE 4. Identifiers: Orphanet 119, MedGen C1858593, MONDO:0011423, OMIM 604286. Disease mechanism: Affects gamma-sarcoglycan and also disrupts the integrity of the entire sarcoglycan complex..

Allele frequency attached by ClinVar (database versions not stated): TOPMed 0.00001; gnomAD 0.00001; gnomAD exomes 0.00001; ExAC 0.00001.

Submissions (6):

3billion
Classification: Pathogenic for Autosomal recessive limb-girdle muscular dystrophy type 2E. Last evaluated: 2025-11-28. Review status: criteria provided, single submitter. Criteria: ACMG Guidelines, 2015. Collection method: clinical testing. Allele origin: germline. Affected: yes.
Comment: The variant is observed at an extremely low frequency in the gnomAD v4.1.0 dataset (total allele frequency: 0.001%). Predicted Consequence/Location: Missense variant Functional studies provide moderate evidence of the variant having a damaging effect on the gene or gene product (PMID: 22095924). In silico tool predictions suggest damaging effect of the variant on gene or gene product [REVEL: 0.69 (>=0.6, sensitivity 0.68 and specificity 0.92)]. The same nucleotide change resulting in the same amino acid change has been previously reported as pathogenic/likely pathogenic with strong evidence (ClinVar ID: VCV000558332 /PMID: 25862795). Therefore, this variant is classified as Pathogenic according to the recommendation of ACMG/AMP guideline.

Revvity Omics, Revvity
Classification: Pathogenic for Autosomal recessive limb-girdle muscular dystrophy type 2E. Last evaluated: 2025-02-14. Review status: criteria provided, single submitter. Criteria: ACMG Guidelines, 2015. Collection method: clinical testing. Allele origin: germline.

Natera, Inc.
Classification: Pathogenic for Limb-girdle muscular dystrophy type 2E. Last evaluated: 2024-11-14. Review status: criteria provided, single submitter. Criteria: Natera Variant Classification Schema (03/2026). Collection method: clinical testing. Allele origin: germline.
Comment: The c.499G>A variant in SGCB is a missense variant predicted to cause substitution of glycine to serine at amino acid 167. This variant is rare in the general population with a frequency below the threshold expected for the associated phenotype(s). This variant has been observed in one or more individuals affected with the associated recessive disease, as either homozygous or compound heterozygous with a second variant (PMID: 31671740, 35416532, 25862795, 11166169). Additionally, this variant has been observed to segregate in affected family members (PMID: 31671740). Functional studies show that this variant may disrupt protein function (PMID: 22095924, 37317968). Computational prediction algorithms indicate this variant is likely to affect gene or protein function. Given the available evidence, this variant is classified as Pathogenic.

Labcorp Genetics (formerly Invitae), Labcorp
Classification: Pathogenic for Autosomal recessive limb-girdle muscular dystrophy type 2E. Last evaluated: 2024-05-04. Review status: criteria provided, single submitter. Criteria: Invitae Variant Classification Sherloc (09022015). Collection method: clinical testing. Allele origin: germline.
Comment: This sequence change replaces glycine, which is neutral and non-polar, with serine, which is neutral and polar, at codon 167 of the SGCB protein (p.Gly167Ser). This variant is present in population databases (rs779516489, gnomAD 0.006%). This missense change has been observed in individual(s) with SGCB-related conditions (PMID: 11166169, 25862795; Invitae). In at least one individual the data is consistent with being in trans (on the opposite chromosome) from a pathogenic variant. ClinVar contains an entry for this variant (Variation ID: 558332). Advanced modeling of protein sequence and biophysical properties (such as structural, functional, and spatial information, amino acid conservation, physicochemical variation, residue mobility, and thermodynamic stability) performed at Invitae indicates that this missense variant is not expected to disrupt SGCB protein function with a negative predictive value of 80%. Experimental studies have shown that this missense change affects SGCB function (PMID: 22095924). For these reasons, this variant has been classified as Pathogenic.

Baylor Genetics
Classification: Pathogenic for Autosomal recessive limb-girdle muscular dystrophy type 2E. Last evaluated: 2024-02-08. Review status: criteria provided, single submitter. Criteria: ACMG Guidelines, 2015. Collection method: clinical testing. Allele origin: unknown.

Counsyl
Classification: Uncertain significance for Autosomal recessive limb-girdle muscular dystrophy type 2E. Last evaluated: 2018-05-14. Review status: no assertion criteria provided. Collection method: clinical testing. Allele origin: unknown. Not counted in ClinVar's aggregate classification.

Literature cited by the submitters: PubMed 22095924 (cited by 4 submitters); PubMed 25862795 (cited by 4 submitters); PubMed 31671740 (cited by Natera, Inc.); PubMed 35416532 (cited by Natera, Inc.); PubMed 11166169 (cited by 3 submitters); PubMed 37317968 (cited by Natera, Inc.).